The following is an entry in ClinVar:

ClinVar aggregate classification (germline): Uncertain significance (1 of 4 stars; one submission).

Submission:

Ambry Genetics
Classification: Uncertain significance. Last evaluated: 2025-03-19. Review status: criteria provided, single submitter. Criteria: Ambry Variant Classification Scheme 2023. Collection method: clinical testing. Allele origin: germline.
Comment: Does not currently meet published gene-disease clinical validity criteria Based on insufficient or conflicting evidence, the clinical significance of this alteration remains unclear.

Literature cited by the submitters: PubMed 28106320.

NR_028089.1(NXF5):n.362T>C

Gene: NXF5 (nuclear RNA export factor 5; minus strand). Cytogenetic location: Xq22.1.
Variant type: single nucleotide variant.
Molecular consequence: non-coding transcript variant (on NR_028089.1).
Genome position: GRCh38 VCF-style: chrX-101842791-A-G. GRCh37 (hg19) VCF-style: chrX-101097763-A-G.
Other names: NM_032946.2:c.2T>C.
Identifiers: ClinVar variation 3923180 (VCV003923180.1).
Genomic context (GRCh38, chrX:101,842,791, plus strand): 5'-GAGATACTCACTGTGACCTTGAACCATTTCCTCATGTTTTCATCTTGTGTGTTCCGCCTC[A>G]TTTTTCTCTCTGGAGGTTTTCTATTTCTCCAAATGGTAATATGGATTTGATCTTCACTAT-3'